The following is an entry in ClinVar:

ClinVar aggregate classification (germline): Uncertain significance (1 of 4 stars; one submission).

Conditions:
Inborn genetic diseases. Identifiers: MedGen C0950123, MeSH D030342.

Submission:

Ambry Genetics
Classification: Uncertain significance for Inborn genetic diseases. Last evaluated: 2025-05-18. Review status: criteria provided, single submitter. Criteria: Ambry Variant Classification Scheme 2023. Collection method: clinical testing. Allele origin: germline.
Comment: The p.V278M variant (also known as c.832G>A), located in coding exon 6 of the BMPR2 gene, results from a G to A substitution at nucleotide position 832. The valine at codon 278 is replaced by methionine, an amino acid with highly similar properties. This amino acid position is conserved. In addition, this alteration is predicted to be deleterious by in silico analysis. Based on the available evidence, the clinical significance of this variant remains unclear.

NM_001204.7(BMPR2):c.832G>A (p.Val278Met)

Gene: BMPR2 (bone morphogenetic protein receptor type 2; plus strand). Cytogenetic location: 2q33.2.
Variant type: single nucleotide variant.
Coding change: c.832G>A on transcript NM_001204.7 (MANE Select); coding-DNA position 832, G replaced by A.
Protein change: p.Val278Met; replaces valine 278 with methionine.
Molecular consequence: missense variant.
Genome position (GRCh38, 1-based): chr2:202,519,032, G>A. VCF-style: chr2-202519032-G-A. GRCh37 (hg19) VCF-style: chr2-203383755-G-A.
Other names: short protein forms V278M.
Identifiers: ClinVar variation 3992179 (VCV003992179.1).